The following is an entry in ClinVar:

NM_005751.5(AKAP9):c.9830T>G (p.Ile3277Arg)

Gene: AKAP9 (A-kinase anchoring protein 9; plus strand). Cytogenetic location: 7q21.2.
Variant type: single nucleotide variant.
Coding change: c.9830T>G on transcript NM_005751.5 (MANE Select); coding-DNA position 9830, T replaced by G.
Protein change: p.Ile3277Arg; replaces isoleucine 3277 with arginine.
Molecular consequence: missense variant.
Genome position (GRCh38, 1-based): chr7:92,096,789, T>G. VCF-style: chr7-92096789-T-G. GRCh37 (hg19) VCF-style: chr7-91726103-T-G.
Other names: c.4475T>G, p.Ile1492Arg (NM_001379277.1); c.9806T>G, p.Ile3269Arg (NM_147185.3); short protein forms I1492R, I3277R, I3269R.
Identifiers: ClinVar variation 2056628 (VCV002056628.6), dbSNP rs144021475, ClinGen allele CA4337853.

ClinVar aggregate classification (germline): Conflicting classifications of pathogenicity. Review status: criteria provided, conflicting classifications (1 of 4 stars). 2 submissions from 2 submitters: Uncertain significance (1); Likely benign (1). Last evaluated 2024-02-28.

Conditions:
Cardiovascular phenotype. Identifiers: MedGen CN230736.
Long QT syndrome (LQTS). Identifiers: MedGen C0023976, MeSH D008133, MONDO:0002442. Disease mechanism: loss of function. Inheritance: Various modes of inheritance.

Allele frequency attached by ClinVar (database versions not stated): 1000 Genomes Project 30x 0.00031.
gnomAD v4.1: 22 of 1,614,130 alleles (0.0014%); highest among the groups gnomAD compares: East Asian, 0.0067%; no homozygotes.

Submissions (2):

Ambry Genetics
Classification: Likely benign for Cardiovascular phenotype. Last evaluated: 2024-02-28. Review status: criteria provided, single submitter. Criteria: Ambry Variant Classification Scheme 2023. Collection method: clinical testing. Allele origin: germline.

Labcorp Genetics (formerly Invitae), Labcorp
Classification: Uncertain significance for Long QT syndrome. Last evaluated: 2023-11-05. Review status: criteria provided, single submitter. Criteria: Invitae Variant Classification Sherloc (09022015). Collection method: clinical testing. Allele origin: germline.
Comment: This sequence change replaces isoleucine, which is neutral and non-polar, with arginine, which is basic and polar, at codon 3277 of the AKAP9 protein (p.Ile3277Arg). This variant is present in population databases (rs144021475, gnomAD 0.006%). This variant has not been reported in the literature in individuals affected with AKAP9-related conditions. ClinVar contains an entry for this variant (Variation ID: 2056628). An algorithm developed to predict the effect of missense changes on protein structure and function (PolyPhen-2) suggests that this variant is likely to be disruptive. In summary, the available evidence is currently insufficient to determine the role of this variant in disease. Therefore, it has been classified as a Variant of Uncertain Significance.